The following is an entry in ClinVar:

NM_002386.4(MC1R):c.27A>T (p.Arg9Ser)

Gene: MC1R (melanocortin 1 receptor; plus strand). Cytogenetic location: 16q24.3.
Variant type: single nucleotide variant.
Coding change: c.27A>T on transcript NM_002386.4 (MANE Select); coding-DNA position 27, A replaced by T.
Protein change: p.Arg9Ser; replaces arginine 9 with serine.
Molecular consequence: missense variant.
Genome position (GRCh38, 1-based): chr16:89,919,285, A>T. VCF-style: chr16-89919285-A-T. GRCh37 (hg19) VCF-style: chr16-89985693-A-T.
Other names: short protein forms R9S.
Identifiers: ClinVar variation 4052442 (VCV004052442.1).

ClinVar aggregate classification (germline): Uncertain significance (1 of 4 stars; one submission).

Submission:

Ambry Genetics
Classification: Uncertain significance. Last evaluated: 2025-06-10. Review status: criteria provided, single submitter. Criteria: Ambry Variant Classification Scheme 2023. Collection method: clinical testing. Allele origin: germline.
Comment: The p.R9S variant (also known as c.27A>T), located in coding exon 1 of the MC1R gene, results from an A to T substitution at nucleotide position 27. The arginine at codon 9 is replaced by serine, an amino acid with dissimilar properties. This amino acid position is conserved. In addition, this alteration is predicted to be tolerated by in silico analysis. Based on the available evidence, the clinical significance of this variant remains unclear.